The following is an entry in ClinVar:

NM_018238.4(AGK):c.1048A>G (p.Ser350Gly)

Gene: AGK (acylglycerol kinase; plus strand). Cytogenetic location: 7q34.
Variant type: single nucleotide variant.
Coding change: c.1048A>G on transcript NM_018238.4 (MANE Select); coding-DNA position 1048, A replaced by G.
Protein change: p.Ser350Gly; replaces serine 350 with glycine.
Molecular consequence: missense variant.
Genome position (GRCh38, 1-based): chr7:141,651,526, A>G. VCF-style: chr7-141651526-A-G. GRCh37 (hg19) VCF-style: chr7-141351326-A-G.
Other names: p.S350G:AGT>GGT; c.1048A>G, p.Ser350Gly (LRG_1251t1); short protein forms S350G.
Identifiers: ClinVar variation 214072 (VCV000214072.3), dbSNP rs863223894, ClinGen allele CA323048.
Genomic context (GRCh38, chr7:141,651,526, plus strand): 5'-TTGCAACCTAGTGCAGTTGCCATCACTGGTCTTAAGCTTGCTTTTTCCTGTGCTCACAGA[A>G]GTCGAAAGGTGAGAAACCCCAAGCTGCACGTGGAGGGCACGGAGTGTCTCCAAGCCAGCC-3'
Protein context (NP_060708.1, residues 340-360): ISKGDFITIG[Ser350Gly]RKVRNPKLHV

ClinVar aggregate classification (germline): Uncertain significance (1 of 4 stars; one submission).

Allele frequency attached by ClinVar (database versions not stated): gnomAD exomes below 0.00001.
gnomAD v4.1: 16 of 1,614,206 alleles (0.00099%); highest among the groups gnomAD compares: Non-Finnish European, 0.0014%; no homozygotes.

Submission:

GeneDx
Classification: Uncertain significance. Last evaluated: 2020-01-20. Review status: criteria provided, single submitter. Criteria: GeneDx Variant Classification Process June 2021. Collection method: clinical testing. Allele origin: germline. Affected: yes.
Comment: Not observed at a significant frequency in large population cohorts (Lek et al., 2016); In silico analysis, which includes protein predictors and evolutionary conservation, supports that this variant does not alter protein structure/function; Has not been previously published as pathogenic or benign to our knowledge